The following is an entry in ClinVar:

NM_006941.4(SOX10):c.1086dup (p.Pro363fs)

Genes: POLR2F (RNA polymerase II, I and III subunit F; plus strand), SOX10 (SRY-box transcription factor 10; minus strand). Cytogenetic location: 22q13.1.
Variant type: Duplication.
Coding change: c.1086dup on transcript NM_006941.4 (MANE Select); coding-DNA position 1086, one base duplicated (G; older notation c.1086dupG).
Protein change: p.Pro363fs; shifts the reading frame from proline 363.
Molecular consequence: frameshift variant. On other transcripts: intron variant (3).
Genome position (GRCh38, 1-based): chr22:37,973,810, C duplicated on the plus strand (G on the coding strand, the reverse complement: SOX10 is on the minus strand); the first of 4 consecutive C bases (chr22:37,973,810-37,973,813); duplicating any one gives the same sequence. VCF-style (leftmost placement, unchanged base first): chr22-37973809-G-GC. GRCh37 (hg19) VCF-style: chr22-38369816-G-GC.
Other names: c.*38+1503dup (NM_001363825.1); c.293+6643dup (NM_001301130.2, NM_001301131.2); c.1086dupG (NM_006941.3); short protein forms P363fs.
Identifiers: ClinVar variation 1704560 (VCV001704560.5), dbSNP rs2145761047, ClinGen allele CA2577713056.

ClinVar aggregate classification (germline): Pathogenic/Likely pathogenic. Review status: criteria provided, multiple submitters, no conflicts (2 of 4 stars). 4 submissions from 4 submitters: Pathogenic (1); Likely pathogenic (3). Last evaluated 2026-07-01.

Conditions:
Monogenic hearing loss.
Waardenburg syndrome type 2E (WS2E). Also called: HYPOGONADOTROPIC HYPOGONADISM WITH ANOSMIA AND DEAFNESS, WITH OR WITHOUT HYPOPIGMENTATION; WAARDENBURG SYNDROME, TYPE 2E, WITH OR WITHOUT NEUROLOGIC INVOLVEMENT; WS2E, WITH OR WITHOUT NEUROLOGIC INVOLVEMENT. Identifiers: Orphanet 3440, MedGen C2700405, MONDO:0012698, OMIM 611584.

Submissions (4):

CeGaT Center for Human Genetics Tuebingen
Classification: Likely pathogenic. Last evaluated: 2026-07-01. Review status: criteria provided, single submitter. Criteria: CeGaT Center For Human Genetics Tuebingen Variant Classification Criteria Version 2. Collection method: clinical testing. Allele origin: germline. Affected: yes. Observed: 1 variant allele.
Comment: SOX10: PVS1:Strong, PM2

Genetics Laboratory, Great Ormond Street Hospital NHS Foundation Trust, North Thames Genomic Laboratory Hub
Classification: Likely pathogenic for Monogenic hearing loss. Last evaluated: 2025-10-08. Review status: criteria provided, single submitter. Criteria: ACGS Best Practice Guidelines for Variant Classification in Rare Disease 2024 v1.2. Collection method: clinical testing. Allele origin: germline. Affected: yes.
Comment: PM2_moderate, PVS1_strong

Labcorp Genetics (formerly Invitae), Labcorp
Classification: Pathogenic. Last evaluated: 2022-12-18. Review status: criteria provided, single submitter. Criteria: Invitae Variant Classification Sherloc (09022015). Collection method: clinical testing. Allele origin: germline.
Comment: For these reasons, this variant has been classified as Pathogenic. This variant disrupts a region of the SOX10 protein in which other variant(s) (p.Gln364*) have been determined to be pathogenic (PMID: 15004559). This suggests that this is a clinically significant region of the protein, and that variants that disrupt it are likely to be disease-causing. ClinVar contains an entry for this variant (Variation ID: 1704560). This variant has not been reported in the literature in individuals affected with SOX10-related conditions. This variant is not present in population databases (gnomAD no frequency). This sequence change creates a premature translational stop signal (p.Pro363Alafs*39) in the SOX10 gene. While this is not anticipated to result in nonsense mediated decay, it is expected to disrupt the last 104 amino acid(s) of the SOX10 protein.

Women's Health and Genetics/Laboratory Corporation of America, LabCorp
Classification: Likely pathogenic for Waardenburg syndrome type 2E. Last evaluated: 2022-07-01. Review status: criteria provided, single submitter. Criteria: LabCorp Variant Classification Summary - May 2015. Collection method: clinical testing. Allele origin: germline.
Comment: Variant summary: SOX10 c.1086dupG (p.Pro363AlafsX39) results in a premature termination codon, predicted to cause a truncation of the encoded protein or absence of the protein due to nonsense mediated decay, which are commonly known mechanisms for disease. Truncations downstream of this position and a presumably de-novo, different variant at the same nucleotide, namely c.1086delG (p.Gln364fs) (variably annotated as c.1083delG) have been reported in association with Waardenburg syndrome in the HGMD database. The variant was absent in 244324 control chromosomes. To our knowledge, no occurrence of c.1086dupG in individuals affected with Waardenburg Syndrome Type 2E and no experimental evidence demonstrating its impact on protein function have been reported. No clinical diagnostic laboratories have submitted clinical-significance assessments for this variant to ClinVar after 2014. Based on the evidence outlined above, the variant was classified as likely pathogenic.

Literature cited by the submitters: PubMed 15004559 (cited by Labcorp Genetics (formerly Invitae), Labcorp).